The following is an entry in ClinVar:

ClinVar aggregate classification (germline): Likely pathogenic (1 of 4 stars; one submission).

Conditions:
Autosomal recessive nonsyndromic hearing loss 4 (DFNB4). Also called: Deafness, autosomal recessive 4; FOXI1-Related Pendred Syndrome; KCNJ10-Related Pendred Syndrome; DEAFNESS, AUTOSOMAL RECESSIVE 4, WITH ENLARGED VESTIBULAR AQUEDUCT, DIGENIC; NEUROSENSORY NONSYNDROMIC RECESSIVE DEAFNESS 4; Nonsyndromic enlarged vestibular aqueduct (NSEVA). Identifiers: Orphanet 90636, MedGen C3538946, MONDO:0010933, OMIM 600791.

Submission:

Institute of Rare Diseases, West China Hospital, Sichuan University
Classification: Likely pathogenic for Autosomal recessive nonsyndromic hearing loss 4. Last evaluated: 2025-01-09. Review status: criteria provided, single submitter. Criteria: ClinGen HL ACMG Specifications v1. Collection method: research. Allele origin: germline. Affected: yes.
Comment: PVS1;PM2_Supporting

NM_000441.2(SLC26A4):c.42dup (p.Glu15fs)

Genes: SLC26A4 (solute carrier family 26 member 4; plus strand), SLC26A4-AS1 (SLC26A4 antisense RNA 1; minus strand). Cytogenetic location: 7q22.3.
Variant type: Duplication.
Coding change: c.42dup on transcript NM_000441.2 (MANE Select); coding-DNA position 42, one base duplicated (C; older notation c.42dupC).
Protein change: p.Glu15fs; shifts the reading frame from glutamic acid 15.
Molecular consequence: frameshift variant. On other transcripts: non-coding transcript variant (1).
Genome position (GRCh38, 1-based): chr7:107,661,683, C duplicated; the last of 4 consecutive C bases (chr7:107,661,680-107,661,683); duplicating any one gives the same sequence. VCF-style (leftmost placement, unchanged base first): chr7-107661679-T-TC. GRCh37 (hg19) VCF-style: chr7-107302124-T-TC.
Other names: short protein forms E15fs.
Identifiers: ClinVar variation 3601723 (VCV003601723.1).